The following is an entry in ClinVar:

ClinVar aggregate classification (germline): Likely pathogenic (1 of 4 stars; one submission).

Submission:

GeneDx
Classification: Likely pathogenic. Last evaluated: 2017-09-12. Review status: criteria provided, single submitter. Criteria: GeneDx Variant Classification (06012015). Collection method: clinical testing. Allele origin: germline. Affected: yes.
Comment: The Y797X variant is not observed in large population cohorts (Lek et al., 2016). This nonsense variant is predicted to cause loss of normal protein function either through protein truncation or nonsense-mediated mRNA decay. Although Y797X has not been previously reported to our knowledge, other nonsense variants in the CNTNAP2 gene have been reported in the Human Gene Mutation Database in association with CNTNAP2-related disorders (Stenson et al., 2014).

NM_014141.6(CNTNAP2):c.2391T>G (p.Tyr797Ter)

Gene: CNTNAP2 (contactin associated protein 2; plus strand). Cytogenetic location: 7q35.
Variant type: single nucleotide variant.
Coding change: c.2391T>G on transcript NM_014141.6 (MANE Select); coding-DNA position 2391, T replaced by G.
Protein change: p.Tyr797Ter; replaces tyrosine 797 with a stop codon.
Molecular consequence: nonsense.
Genome position (GRCh38, 1-based): chr7:148,118,125, T>G. VCF-style: chr7-148118125-T-G. GRCh37 (hg19) VCF-style: chr7-147815217-T-G.
Other names: short protein forms Y797*.
Identifiers: ClinVar variation 451949 (VCV000451949.2), dbSNP rs562833882, ClinGen allele CA369927170.